The following is an entry in ClinVar:

ClinVar aggregate classification (germline): Pathogenic. Review status: reviewed by expert panel (3 of 4 stars). 11 submissions from 11 submitters: Pathogenic (1). 10 of the submissions do not count toward it. Last evaluated 2016-09-08.

Conditions:
BRCA1-related disorder. Also called: BRCA1-related condition.
Hereditary cancer-predisposing syndrome. Also called: Hereditary Cancer Syndrome; Hereditary neoplastic syndrome; Neoplastic Syndromes, Hereditary; Tumor predisposition. Identifiers: Orphanet 140162, MedGen C0027672, MeSH D009386, MONDO:0015356.
Breast-ovarian cancer, familial, susceptibility to, 1 (BROVCA1). Also called: BRCA1 Hereditary Breast and Ovarian Cancer; OVARIAN CANCER, SUSCEPTIBILITY TO. Identifiers: Orphanet 145, MedGen C2676676, MONDO:0011450, OMIM 604370. Disease mechanism: loss of function.
Hereditary breast ovarian cancer syndrome. Also called: BRCA1- and BRCA2-Associated Hereditary Breast and Ovarian Cancer; Hereditary breast and ovarian cancer syndrome; Hereditary breast and ovarian cancer syndrome (HBOC); Breast and ovarian cancer; Hereditary breast and/or ovarian cancer syndrome; Hereditary breast and ovarian cancer. Identifiers: Orphanet 145, MedGen C0677776, MeSH D061325, MONDO:0003582. Disease mechanism: loss of function.

Submissions (11):

Evidence-based Network for the Interpretation of Germline Mutant Alleles (ENIGMA)
Classification: Pathogenic for Breast-ovarian cancer, familial, susceptibility to, 1. Last evaluated: 2016-09-08. Review status: reviewed by expert panel. Criteria: ENIGMA BRCA1/2 Classification Criteria (2015). Collection method: curation. Allele origin: germline.
Comment: Variant allele predicted to encode a truncated non-functional protein.

Center for Genomic Medicine, Rigshospitalet, Copenhagen University Hospital
Classification: Pathogenic. Last evaluated: 2025-03-04. Review status: criteria provided, single submitter. Criteria: ACMG Guidelines, 2015. Collection method: clinical testing. Allele origin: germline. Not counted in ClinVar's aggregate classification.

Labcorp Genetics (formerly Invitae), Labcorp
Classification: Pathogenic for Hereditary breast ovarian cancer syndrome. Last evaluated: 2023-11-08. Review status: criteria provided, single submitter. Criteria: Invitae Variant Classification Sherloc (09022015). Collection method: clinical testing. Allele origin: germline. Not counted in ClinVar's aggregate classification.
Comment: This sequence change creates a premature translational stop signal (p.Leu1209*) in the BRCA1 gene. It is expected to result in an absent or disrupted protein product. Loss-of-function variants in BRCA1 are known to be pathogenic (PMID: 20104584). This variant is present in population databases (rs80357571, gnomAD 0.0009%). This premature translational stop signal has been observed in individual(s) with breast cancer (PMID: 9361038, 28802053). This variant is also known as 3744 delT. ClinVar contains an entry for this variant (Variation ID: 54943). For these reasons, this variant has been classified as Pathogenic.

Ambry Genetics
Classification: Pathogenic for Hereditary cancer-predisposing syndrome. Last evaluated: 2023-03-06. Review status: criteria provided, single submitter. Criteria: Ambry Variant Classification Scheme 2023. Collection method: clinical testing. Allele origin: germline. Not counted in ClinVar's aggregate classification.
Comment: The c.3626delT pathogenic mutation (also known as p.L1209*), located in coding exon 9 of the BRCA1 gene, results from a deletion of one nucleotide at position 3626. This changes the amino acid from a leucine to a stop codon within coding exon 9. This pathogenic mutation has been observed in numerous breast and breast/ovarian cancer families, and is considered a founder mutation in Finland (Zelada-Hedman M et al. Cancer Res. 1997 Jun; 57(12):2474-7; Vehmanen P et al. Hum. Mol. Genet. 1997 Dec; 6(13):2309-15; Huusko P et al. Am. J. Hum. Genet. 1998 Jun; 62(6):1544-8; Sarantaus L et al. Eur. J. Hum. Genet. 2000 Oct; 8(10):757-63; Pelttari LM et al. Clin. Genet. 2018 Mar;93(3):595-602). Of note, this alteration is also designated as 3744delT and 3745delT in published literature. In addition to the clinical data presented in the literature, this alteration is expected to result in loss of function by premature protein truncation or nonsense-mediated mRNA decay. As such, this alteration is interpreted as a disease-causing mutation.

Women's Health and Genetics/Laboratory Corporation of America, LabCorp
Classification: Pathogenic for Hereditary breast ovarian cancer syndrome. Last evaluated: 2022-09-02. Review status: criteria provided, single submitter. Criteria: LabCorp Variant Classification Summary - May 2015. Collection method: clinical testing. Allele origin: germline. Not counted in ClinVar's aggregate classification.
Comment: Variant summary: BRCA1 c.3626delT (p.Leu1209X) results in a premature termination codon, predicted to cause a truncation of the encoded protein or absence of the protein due to nonsense mediated decay, which are commonly known mechanisms for disease. Truncations downstream of this position have been classified as pathogenic by our laboratory. The variant allele was found at a frequency of 4e-06 in 251268 control chromosomes. c.3626delT has been reported in the literature in multiple individuals affected with Hereditary Breast And Ovarian Cancer Syndrome (e.g. Li_2019, Xu_2021). These data indicate that the variant is very likely to be associated with disease. Three clinical diagnostic laboratories have submitted clinical-significance assessments for this variant to ClinVar after 2014 without evidence for independent evaluation. All laboratories classified the variant as pathogenic. Based on the evidence outlined above, the variant was classified as pathogenic.

Blueprint Genetics
Classification: Pathogenic for BRCA1-related disorders. Last evaluated: 2019-02-21. Review status: criteria provided, single submitter. Criteria: ACMG Guidelines, 2015. Collection method: clinical testing. Allele origin: germline. Affected: yes. Observed: 5 variant alleles. Not counted in ClinVar's aggregate classification.

Consortium of Investigators of Modifiers of BRCA1/2 (CIMBA), c/o University of Cambridge
Classification: Pathogenic for Breast-ovarian cancer, familial, susceptibility to, 1. Last evaluated: 2015-10-02. Review status: criteria provided, single submitter. Criteria: CIMBA Mutation Classification guidelines May 2016. Collection method: clinical testing. Allele origin: germline. Not counted in ClinVar's aggregate classification.

Clinical Genetics and Genomics, Karolinska University Hospital
Classification: Pathogenic. Last evaluated: 2014-06-12. Review status: criteria provided, single submitter. Criteria: ACMG Guidelines, 2015. Collection method: clinical testing. Allele origin: germline. Affected: yes. Observed: 11 variant alleles. Not counted in ClinVar's aggregate classification.

BRCAlab, Lund University
Classification: Pathogenic for Breast-ovarian cancer, familial, susceptibility to, 1. Last evaluated: 2022-08-26. Review status: no assertion criteria provided. Collection method: clinical testing. Allele origin: germline. Affected: yes. Not counted in ClinVar's aggregate classification.

OMIM
Classification: Pathogenic for BREAST-OVARIAN CANCER, FAMILIAL, SUSCEPTIBILITY TO, 1. Last evaluated: 2000-10-01. Review status: no assertion criteria provided. Collection method: literature only. Allele origin: germline. Not counted in ClinVar's aggregate classification.

Breast Cancer Information Core (BIC) (BRCA1)
Classification: Pathogenic for Breast-ovarian cancer, familial 1. Last evaluated: 1999-04-12. Review status: no assertion criteria provided. Collection method: clinical testing. Allele origin: germline. Affected: yes. Observed: 2 variant alleles. Not counted in ClinVar's aggregate classification.

Literature cited by the submitters: PubMed 30175445 (cited by 3 submitters); PubMed 20104584 (cited by Labcorp Genetics (formerly Invitae), Labcorp); PubMed 9361038 (cited by Labcorp Genetics (formerly Invitae), Labcorp and Ambry Genetics); PubMed 28802053 (cited by Labcorp Genetics (formerly Invitae), Labcorp and Ambry Genetics); PubMed 11039575 (cited by Ambry Genetics and OMIM); PubMed 14684699 (cited by Ambry Genetics); PubMed 9192828 (cited by Ambry Genetics); PubMed 9585608 (cited by Ambry Genetics); PubMed 29446198 (cited by Women's Health and Genetics/Laboratory Corporation of America, LabCorp); PubMed 33563323 (cited by Women's Health and Genetics/Laboratory Corporation of America, LabCorp).

NM_007294.4(BRCA1):c.3626del (p.Lys1208_Leu1209insTer)

Genes: BRCA1 (BRCA1 DNA repair associated; minus strand), LOC126862571 (BRD4-independent group 4 enhancer GRCh37_chr17:41243136-41244335; plus strand). Cytogenetic location: 17q21.31.
Variant type: Deletion.
Coding change: c.3626del on transcript NM_007294.4 (MANE Select); coding-DNA position 3626, one base deleted (T; older notation c.3626delT).
Protein change: p.Lys1208_Leu1209insTer.
Molecular consequence: nonsense. On other transcripts: intron variant (135), frameshift variant (1).
Genome position (GRCh38, 1-based): chr17:43,091,905, A deleted on the plus strand (T on the coding strand, the reverse complement: BRCA1 is on the minus strand); the first of 2 consecutive A bases (chr17:43,091,905-43,091,906); deleting either gives the same sequence. VCF-style (leftmost placement, unchanged base first): chr17-43091904-TA-T. GRCh37 (hg19) VCF-style: chr17-41243921-TA-T.
Other names: 3745delT; c.665-873del (NM_001408443.1, NM_001408439.1, NM_001408425.1 and 12 more transcripts); c.671-873del (NM_001408419.1, NM_001408422.1, NM_001408418.1 and 2 more transcripts); c.788-873del (NM_001408403.1, NM_001407983.1, NM_001407975.1 and 17 more transcripts); c.791-882del (NM_001408406.1); c.647-873del (NM_001408456.1, NM_001408410.1, NM_001408458.1 and 11 more transcripts); c.644-873del (NM_001408465.1, NM_001408463.1, NM_001408462.1 and 3 more transcripts); c.578-873del (NM_001408482.1, NM_001408484.1, NM_001408478.1 and 9 more transcripts); and 43 more.
Identifiers: ClinVar variation 54943 (VCV000054943.35), dbSNP rs80357571, ClinGen allele CA002318.